The following is an entry in ClinVar:

ClinVar aggregate classification (germline): Uncertain significance (1 of 4 stars; one submission).

Allele frequency attached by ClinVar (database versions not stated): gnomAD exomes 0.00001.
gnomAD v4.1: 5 of 1,614,098 alleles (0.00031%); highest among the groups gnomAD compares: Non-Finnish European, 0.00042%; no homozygotes.

Submission:

Labcorp Genetics (formerly Invitae), Labcorp
Classification: Uncertain significance. Last evaluated: 2023-04-02. Review status: criteria provided, single submitter. Criteria: Invitae Variant Classification Sherloc (09022015). Collection method: clinical testing. Allele origin: germline.
Comment: This sequence change replaces aspartic acid, which is acidic and polar, with valine, which is neutral and non-polar, at codon 439 of the ADGRE2 protein (p.Asp439Val). In summary, the available evidence is currently insufficient to determine the role of this variant in disease. Therefore, it has been classified as a Variant of Uncertain Significance. An algorithm developed to predict the effect of missense changes on protein structure and function (PolyPhen-2) suggests that this variant is likely to be tolerated. This variant has not been reported in the literature in individuals affected with ADGRE2-related conditions. This variant is not present in population databases (gnomAD no frequency).

NM_013447.4(ADGRE2):c.1316A>T (p.Asp439Val)

Gene: ADGRE2 (adhesion G protein-coupled receptor E2; minus strand). Cytogenetic location: 19p13.12.
Variant type: single nucleotide variant.
Coding change: c.1316A>T on transcript NM_013447.4 (MANE Select); coding-DNA position 1316, A replaced by T.
Protein change: p.Asp439Val; replaces aspartic acid 439 with valine.
Molecular consequence: missense variant.
Genome position (GRCh38, 1-based): chr19:14,755,754, T>A on the plus strand (A>T on the coding strand, the complement: ADGRE2 is on the minus strand). VCF-style: chr19-14755754-T-A. GRCh37 (hg19) VCF-style: chr19-14866566-T-A.
Other names: c.1316A>T, p.Asp439Val (NM_001271052.1); c.1169A>T, p.Asp390Val (NM_152916.2); c.1037A>T, p.Asp346Val (NM_152917.2); short protein forms D346V, D439V, D390V.
Identifiers: ClinVar variation 2808279 (VCV002808279.3), dbSNP rs2513098120, ClinGen allele CA404455400.